The following is an entry in ClinVar:

NM_000492.4(CFTR):c.738G>A (p.Lys246=)

Gene: CFTR (CF transmembrane conductance regulator; plus strand). Cytogenetic location: 7q31.2.
Variant type: single nucleotide variant.
Coding change: c.738G>A on transcript NM_000492.4 (MANE Select); coding-DNA position 738, G replaced by A.
Protein change: p.Lys246=; no amino-acid change (lysine 246 retained).
Molecular consequence: synonymous variant.
Genome position (GRCh38, 1-based): chr7:117,535,406, G>A. VCF-style: chr7-117535406-G-A. GRCh37 (hg19) VCF-style: chr7-117175460-G-A.
Identifiers: ClinVar variation 416597 (VCV000416597.44), dbSNP rs35033453, ClinGen allele CA4450813.

ClinVar aggregate classification (germline): Likely benign. Review status: criteria provided, multiple submitters, no conflicts (2 of 4 stars). 8 submissions from 8 submitters: Likely benign (6). 2 of the submissions do not count toward it. Last evaluated 2025-07-24.

Conditions:
CFTR-related disorder (CFTR-RD). Also called: CFTR-related disorders; CFTR-related condition. Identifiers: MedGen C5924204, MONDO:7770004.
Cystic fibrosis (CF). Also called: MUCOVISCIDOSIS. Identifiers: Orphanet 586, MedGen C0010674, MONDO:0009061, OMIM 219700. Disease mechanism: loss of function.

Allele frequency attached by ClinVar (database versions not stated): gnomAD exomes 0.00001 and 0.00004; ExAC 0.00006; gnomAD 0.00009 and 0.00011; TOPMed 0.00014; 1000 Genomes Project 30x 0.00016; ESP Exome Variant Server 0.00038.
gnomAD v4.1: 32 of 1,613,588 alleles (0.002%); highest among the groups gnomAD compares: Middle Eastern, 0.05%; no homozygotes.

Submissions (8):

Labcorp Genetics (formerly Invitae), Labcorp
Classification: Likely benign for Cystic fibrosis. Last evaluated: 2025-07-24. Review status: criteria provided, single submitter. Criteria: Invitae Variant Classification Sherloc (09022015). Collection method: clinical testing. Allele origin: germline.

CeGaT Center for Human Genetics Tuebingen
Classification: Likely benign. Last evaluated: 2022-05-01. Review status: criteria provided, single submitter. Criteria: CeGaT Center For Human Genetics Tuebingen Variant Classification Criteria Version 2. Collection method: clinical testing. Allele origin: germline. Affected: yes. Observed: 1 variant allele.
Comment: CFTR: BP4, BP7

Women's Health and Genetics/Laboratory Corporation of America, LabCorp
Classification: Likely benign. Last evaluated: 2020-01-20. Review status: criteria provided, single submitter. Criteria: LabCorp Variant Classification Summary - May 2015. Collection method: clinical testing. Allele origin: germline.

Eurofins Ntd Llc (ga)
Classification: Likely benign. Last evaluated: 2016-12-07. Review status: criteria provided, single submitter. Criteria: EGL Classification Definitions 2015. Collection method: clinical testing. Allele origin: germline. Observed: 2 variant alleles, 2 heterozygotes.

Ambry Genetics
Classification: Likely benign for Cystic fibrosis. Last evaluated: 2014-12-15. Review status: criteria provided, single submitter. Criteria: Ambry Variant Classification Scheme 2023. Collection method: clinical testing. Allele origin: germline.

Breakthrough Genomics
Classification: Likely benign. Review status: criteria provided, single submitter. Criteria: ACMG Guidelines, 2015. Collection method: not provided. Allele origin: germline. Inheritance: Autosomal recessive inheritance. Affected: yes.

PreventionGenetics, part of Exact Sciences
Classification: Likely benign for CFTR-related condition. Last evaluated: 2019-03-22. Review status: no assertion criteria provided. Collection method: clinical testing. Allele origin: germline. Not counted in ClinVar's aggregate classification.
Comment: This variant is classified as likely benign based on ACMG/AMP sequence variant interpretation guidelines (Richards et al. 2015 PMID: 25741868, with internal and published modifications).

Natera, Inc.
Classification: Likely benign for CFTR-related disorders. Last evaluated: 2018-07-01. Review status: no assertion criteria provided. Collection method: clinical testing. Allele origin: germline. Not counted in ClinVar's aggregate classification.

Literature cited by the submitters: PubMed 22591852 (cited by Eurofins Ntd Llc (ga)).